The following is an entry in ClinVar:

ClinVar aggregate classification (germline): Likely pathogenic (1 of 4 stars; one submission).

Conditions:
Primary ciliary dyskinesia. Also called: Ciliary dyskinesia. Identifiers: Orphanet 244, MedGen C0008780, MONDO:0016575, HP:0012265.

gnomAD v4.1: 1 of 1,474,954 alleles (0.000068%); highest among the groups gnomAD compares: Non-Finnish European, 0.000092%; no homozygotes.

Submission:

Natera, Inc.
Classification: Likely pathogenic for Primary ciliary dyskinesia. Last evaluated: 2025-02-16. Review status: criteria provided, single submitter. Criteria: Natera Variant Classification Schema (03/2026). Collection method: clinical testing. Allele origin: germline.
Comment: The c.5302C>T variant in DNAH5 is a nonsense variant predicted to introduce a stop codon at amino acid 1768. This variant is expected to result in nonsense mediated decay, truncation, or a dysfunctional protein product. This variant is rare in the general population with a frequency below the threshold expected for the associated phenotype(s). Given the available evidence, this variant is classified as Likely Pathogenic.

NM_001369.3(DNAH5):c.5302C>T (p.Gln1768Ter)

Gene: DNAH5 (dynein axonemal heavy chain 5; minus strand). Cytogenetic location: 5p15.2.
Variant type: single nucleotide variant.
Coding change: c.5302C>T on transcript NM_001369.3 (MANE Select); coding-DNA position 5302, C replaced by T.
Protein change: p.Gln1768Ter; replaces glutamine 1768 with a stop codon.
Molecular consequence: nonsense.
Genome position (GRCh38, 1-based): chr5:13,841,874, G>A on the plus strand (C>T on the coding strand, the complement: DNAH5 is on the minus strand). VCF-style: chr5-13841874-G-A. GRCh37 (hg19) VCF-style: chr5-13841983-G-A.
Other names: short protein forms Q1768*.
Identifiers: ClinVar variation 4066782 (VCV004066782.2).